The following is an entry in ClinVar:

NM_001184.4(ATR):c.2524A>G (p.Ile842Val)

Gene: ATR (ATR checkpoint kinase; minus strand). Cytogenetic location: 3q23.
Variant type: single nucleotide variant.
Coding change: c.2524A>G on transcript NM_001184.4 (MANE Select); coding-DNA position 2524, A replaced by G.
Protein change: p.Ile842Val; replaces isoleucine 842 with valine.
Molecular consequence: missense variant.
Genome position (GRCh38, 1-based): chr3:142,553,833, T>C on the plus strand (A>G on the coding strand, the complement: ATR is on the minus strand). VCF-style: chr3-142553833-T-C. GRCh37 (hg19) VCF-style: chr3-142272675-T-C.
Other names: c.2332A>G, p.Ile778Val (NM_001354579.2); short protein forms I778V, I842V.
Identifiers: ClinVar variation 4707882 (VCV004707882.1).

ClinVar aggregate classification (germline): Uncertain significance (1 of 4 stars; one submission).

gnomAD v4.1: 3 of 1,613,530 alleles (0.00019%); highest among the groups gnomAD compares: South Asian, 0.0011%; no homozygotes.

Submission:

Labcorp Genetics (formerly Invitae), Labcorp
Classification: Uncertain significance. Last evaluated: 2025-07-14. Review status: criteria provided, single submitter. Criteria: Invitae Variant Classification Sherloc (09022015). Collection method: clinical testing. Allele origin: germline.
Comment: This sequence change replaces isoleucine, which is neutral and non-polar, with valine, which is neutral and non-polar, at codon 842 of the ATR protein (p.Ile842Val). This variant is not present in population databases (gnomAD no frequency). This variant has not been reported in the literature in individuals affected with ATR-related conditions. An algorithm developed to predict the effect of missense changes on protein structure and function (PolyPhen-2) suggests that this variant is likely to be tolerated. In summary, the available evidence is currently insufficient to determine the role of this variant in disease. Therefore, it has been classified as a Variant of Uncertain Significance.